The following is an entry in ClinVar:

ClinVar aggregate classification (germline): Conflicting classifications of pathogenicity. Review status: criteria provided, conflicting classifications (1 of 4 stars). 2 submissions from 2 submitters: Uncertain significance (1); Likely benign (1). Last evaluated 2026-01-02.

Allele frequency attached by ClinVar (database versions not stated): gnomAD exomes 0.00003 and 0.00010; ExAC 0.00008; 1000 Genomes Project 30x 0.00016; 1000 Genomes Project 0.00020; gnomAD 0.00031 and 0.00036; TOPMed 0.00036; ESP Exome Variant Server 0.00046.
gnomAD v4.1: 97 of 1,613,652 alleles (0.006%); highest among the groups gnomAD compares: African/African-American, 0.088%; no homozygotes.

Submissions (2):

Labcorp Genetics (formerly Invitae), Labcorp
Classification: Likely benign. Last evaluated: 2026-01-02. Review status: criteria provided, single submitter. Criteria: Invitae Variant Classification Sherloc (09022015). Collection method: clinical testing. Allele origin: germline.

GeneDx
Classification: Uncertain significance. Last evaluated: 2022-08-03. Review status: criteria provided, single submitter. Criteria: GeneDx Variant Classification Process June 2021. Collection method: clinical testing. Allele origin: germline. Affected: yes.
Comment: In silico analysis supports that this missense variant does not alter protein structure/function; In silico analysis suggests this variant may impact gene splicing. In the absence of RNA/functional studies, the actual effect of this sequence change is unknown.; Has not been previously published as pathogenic or benign to our knowledge

NM_001126108.2(SLC12A3):c.2363C>T (p.Ala788Val)

Gene: SLC12A3 (solute carrier family 12 member 3; plus strand). Cytogenetic location: 16q13.
Variant type: single nucleotide variant.
Coding change: c.2363C>T on transcript NM_001126108.2 (MANE Select); coding-DNA position 2363, C replaced by T.
Protein change: p.Ala788Val; replaces alanine 788 with valine.
Molecular consequence: missense variant.
Genome position (GRCh38, 1-based): chr16:56,890,351, C>T. VCF-style: chr16-56890351-C-T. GRCh37 (hg19) VCF-style: chr16-56924263-C-T.
Other names: c.2363C>T, p.Ala788Val (NM_000339.3); c.2360C>T, p.Ala787Val (NM_001126107.2); c.2363C>T (NM_000339.2); short protein forms A787V, A788V.
Identifiers: ClinVar variation 1084187 (VCV001084187.11), dbSNP rs147517227, ClinGen allele CA8069847.